The following is an entry in ClinVar:

ClinVar aggregate classification (germline): Uncertain significance (1 of 4 stars; one submission).

gnomAD v4.1: 6 of 1,613,724 alleles (0.00037%); highest among the groups gnomAD compares: South Asian, 0.0011%; no homozygotes.

Submission:

Mayo Clinic Laboratories, Mayo Clinic
Classification: Uncertain significance. Last evaluated: 2024-12-27. Review status: criteria provided, single submitter. Criteria: ACMG Guidelines, 2015. Collection method: clinical testing. Allele origin: germline. Observed: 1 variant allele.
Comment: PM2_supporting

NM_015175.3(NBEAL2):c.2005G>A (p.Glu669Lys)

Gene: NBEAL2 (neurobeachin like 2; plus strand). Cytogenetic location: 3p21.31.
Variant type: single nucleotide variant.
Coding change: c.2005G>A on transcript NM_015175.3 (MANE Select); coding-DNA position 2005, G replaced by A.
Protein change: p.Glu669Lys; replaces glutamic acid 669 with lysine.
Molecular consequence: missense variant.
Genome position (GRCh38, 1-based): chr3:46,995,820, G>A. VCF-style: chr3-46995820-G-A. GRCh37 (hg19) VCF-style: chr3-47037310-G-A.
Other names: p.Glu669Lys; c.1903G>A, p.Glu635Lys (NM_001365116.2); short protein forms E635K, E669K.
Identifiers: ClinVar variation 4540862 (VCV004540862.1).